The following is an entry in ClinVar:

ClinVar aggregate classification (germline): Likely pathogenic (1 of 4 stars; one submission).

Conditions:
Familial isolated deficiency of vitamin E (AVED). Also called: ATAXIA, FRIEDREICH-LIKE, WITH SELECTIVE VITAMIN E DEFICIENCY; Ataxia with isolated vitamin E deficiency. Identifiers: Orphanet 96, MedGen C1848533, MONDO:0010188, OMIM 277460.

Submission:

Women's Health and Genetics/Laboratory Corporation of America, LabCorp
Classification: Likely pathogenic for Ataxia with vitamin E deficiency. Last evaluated: 2018-11-12. Review status: criteria provided, single submitter. Criteria: LabCorp Variant Classification Summary - May 2015. Collection method: clinical testing. Allele origin: germline.
Comment: Variant summary: TTPA c.339delA (p.Val114PhefsX22) results in a premature termination codon, predicted to cause a truncation of the encoded protein or absence of the protein due to nonsense mediated decay, which are commonly known mechanisms for disease. A truncation downstream of this position have been classified as pathogenic by our laboratory (c.744delA (p.Glu249fsX15)). The variant was absent in 277080 control chromosomes (gnomAD). To our knowledge, no occurrence of c.339delA in individuals affected with Ataxia with Vitamin E Deficiency and no experimental evidence demonstrating its impact on protein function have been reported. No clinical diagnostic laboratories have submitted clinical-significance assessments for this variant to ClinVar after 2014. Based on the evidence outlined above, the variant was classified as likely pathogenic.

NM_000370.3(TTPA):c.339del (p.Val114fs)

Gene: TTPA (alpha tocopherol transfer protein; minus strand). Cytogenetic location: 8q12.3.
Variant type: Deletion.
Coding change: c.339del on transcript NM_000370.3 (MANE Select); coding-DNA position 339, one base deleted (A; older notation c.339delA).
Protein change: p.Val114fs; shifts the reading frame from valine 114.
Molecular consequence: frameshift variant.
Genome position (GRCh38, 1-based): chr8:63,072,954, T deleted on the plus strand (A on the coding strand, the reverse complement: TTPA is on the minus strand); the first of 3 consecutive T bases (chr8:63,072,954-63,072,956); deleting any one gives the same sequence. VCF-style (leftmost placement, unchanged base first): chr8-63072953-CT-C. GRCh37 (hg19) VCF-style: chr8-63985512-CT-C.
Other names: c.339delA (NM_000370.3); short protein forms V114fs.
Identifiers: ClinVar variation 633013 (VCV000633013.1), dbSNP rs1563363293, ClinGen allele CA913189708.